The following is an entry in ClinVar:

NM_006939.4(SOS2):c.715-3C>T

Gene: SOS2 (SOS Ras/Rho guanine nucleotide exchange factor 2; minus strand). Cytogenetic location: 14q21.3.
Variant type: single nucleotide variant.
Coding change: c.715-3C>T on transcript NM_006939.4 (MANE Select); 3 bases into the intron before coding-DNA position 715, C replaced by T.
Molecular consequence: intron variant.
Genome position (GRCh38, 1-based): chr14:50,182,609, G>A on the plus strand (C>T on the coding strand, the complement: SOS2 is on the minus strand). VCF-style: chr14-50182609-G-A. GRCh37 (hg19) VCF-style: chr14-50649327-G-A.
Other names: c.715-3C>T (NM_001411020.1).
Identifiers: ClinVar variation 2780423 (VCV002780423.3), dbSNP rs1249534641, ClinGen allele CA706567928.
Genomic context (GRCh38, chr14:50,182,609, plus strand): 5'-AAAGTTTCACAGTCAATTCATGTATATCTGAAATGTTACTAAAAATCTTTTCGATATCCT[G>A]AAAAAAGAGAAGGAAGGTTAAGAAATGTGAGATTGAGAATTCTGCTAAAAAATTACTAAA-3'

ClinVar aggregate classification (germline): Uncertain significance (1 of 4 stars; one submission).

Conditions:
Noonan syndrome 9 (NS9). Identifiers: Orphanet 648, MedGen C4225282, MONDO:0014691, OMIM 616559.

Allele frequency attached by ClinVar (database versions not stated): TOPMed below 0.00001; gnomAD 0.00001.
gnomAD v4.1: 1 of 1,590,802 alleles (0.000063%); highest among the groups gnomAD compares: African/African-American, 0.0014%; no homozygotes.

Submission:

Labcorp Genetics (formerly Invitae), Labcorp
Classification: Uncertain significance for Noonan syndrome 9. Last evaluated: 2023-01-27. Review status: criteria provided, single submitter. Criteria: Invitae Variant Classification Sherloc (09022015). Collection method: clinical testing. Allele origin: germline.
Comment: In summary, the available evidence is currently insufficient to determine the role of this variant in disease. Therefore, it has been classified as a Variant of Uncertain Significance. Variants that disrupt the consensus splice site are a relatively common cause of aberrant splicing (PMID: 17576681, 9536098). Algorithms developed to predict the effect of sequence changes on RNA splicing suggest that this variant is not likely to affect RNA splicing. This variant has not been reported in the literature in individuals affected with SOS2-related conditions. This variant is not present in population databases (gnomAD no frequency). This sequence change falls in intron 5 of the SOS2 gene. It does not directly change the encoded amino acid sequence of the SOS2 protein. It affects a nucleotide within the consensus splice site.

Literature cited by the submitters: PubMed 17576681; PubMed 9536098.